The following is an entry in ClinVar:

NM_014425.5(INVS):c.664C>T (p.Arg222Ter)

Gene: INVS (inversin; plus strand). Cytogenetic location: 9q31.1.
Variant type: single nucleotide variant.
Coding change: c.664C>T on transcript NM_014425.5 (MANE Select); coding-DNA position 664, C replaced by T.
Protein change: p.Arg222Ter; replaces arginine 222 with a stop codon.
Molecular consequence: nonsense. On other transcripts: 5 prime UTR variant (1), non-coding transcript variant (1).
Genome position (GRCh38, 1-based): chr9:100,240,108, C>T. VCF-style: chr9-100240108-C-T. GRCh37 (hg19) VCF-style: chr9-103002390-C-T.
Other names: c.376C>T, p.Arg126Ter (NM_001318381.2); c.-326C>T (NM_001318382.2); short protein forms R126*, R222*.
Identifiers: ClinVar variation 3017575 (VCV003017575.3), dbSNP rs1409741643, ClinGen allele CA374361571.

ClinVar aggregate classification (germline): Pathogenic (1 of 4 stars; one submission).

Conditions:
Nephronophthisis. Also called: Juvenile Nephronophthisis. Identifiers: Orphanet 655, MedGen C0687120, MONDO:0019005, HP:0000090.

Allele frequency attached by ClinVar (database versions not stated): TOPMed 0.00001; gnomAD 0.00002.
gnomAD v4.1: 11 of 1,614,008 alleles (0.00068%); highest among the groups gnomAD compares: Admixed American, 0.005%; no homozygotes.

Submission:

Labcorp Genetics (formerly Invitae), Labcorp
Classification: Pathogenic for Nephronophthisis. Last evaluated: 2023-02-01. Review status: criteria provided, single submitter. Criteria: Invitae Variant Classification Sherloc (09022015). Collection method: clinical testing. Allele origin: germline.
Comment: This sequence change creates a premature translational stop signal (p.Arg222*) in the INVS gene. It is expected to result in an absent or disrupted protein product. Loss-of-function variants in INVS are known to be pathogenic (PMID: 12872123). This variant is present in population databases (no rsID available, gnomAD 0.003%). For these reasons, this variant has been classified as Pathogenic. Algorithms developed to predict the effect of sequence changes on RNA splicing suggest that this variant may disrupt the consensus splice site. This variant has not been reported in the literature in individuals affected with INVS-related conditions.

Literature cited by the submitters: PubMed 12872123.